The following is an entry in ClinVar:

NM_015271.5(TRIM2):c.541C>T (p.Leu181Phe)

Gene: TRIM2 (tripartite motif containing 2; plus strand). Cytogenetic location: 4q31.3.
Variant type: single nucleotide variant.
Coding change: c.541C>T on transcript NM_015271.5 (MANE Select); coding-DNA position 541, C replaced by T.
Protein change: p.Leu181Phe; replaces leucine 181 with phenylalanine.
Molecular consequence: missense variant.
Genome position (GRCh38, 1-based): chr4:153,293,069, C>T. VCF-style: chr4-153293069-C-T. GRCh37 (hg19) VCF-style: chr4-154214221-C-T.
Other names: c.460C>T, p.Leu154Phe (NM_001130067.2, NM_001351056.2); c.514C>T, p.Leu172Phe (NM_001351054.2); c.511C>T, p.Leu171Phe (NM_001351055.2); c.85C>T, p.Leu29Phe (NM_001351057.2); short protein forms L171F, L29F, L181F, L154F, L172F.
Identifiers: ClinVar variation 658772 (VCV000658772.1), dbSNP rs754986666, ClinGen allele CA3108569.
Genomic context (GRCh38, chr4:153,293,069, plus strand): 5'-GAGACTGCCATGTGTCGGGAGTGCACGGAGGGGGAGCACGCAGAGCACCCCACAGTTCCA[C>T]TCAAGGATGTGGTGGAACAGCACAAGGCCTCGCTCCAGGTCCAGCTGGATGCTGTCAACA-3'
Protein context (NP_056086.2, residues 171-191): GEHAEHPTVP[Leu181Phe]KDVVEQHKAS

ClinVar aggregate classification (germline): Uncertain significance (1 of 4 stars; one submission).

Conditions:
Charcot-Marie-Tooth disease type 2R. Also called: CHARCOT-MARIE-TOOTH DISEASE, AXONAL, AUTOSOMAL RECESSIVE, TYPE 2R; Charcot-Marie-Tooth disease, axonal, type 2R; CHARCOT-MARIE-TOOTH NEUROPATHY, TYPE 2R. Identifiers: Orphanet 397968, MedGen C3809655, MONDO:0014208, OMIM 615490.

Allele frequency attached by ClinVar (database versions not stated): TOPMed below 0.00001; ExAC 0.00001; gnomAD 0.00001; gnomAD exomes below 0.00001.
gnomAD v4.1: 2 of 1,613,692 alleles (0.00012%); no homozygotes.

Submission:

Labcorp Genetics (formerly Invitae), Labcorp
Classification: Uncertain significance for Charcot-Marie-Tooth disease, axonal, type 2R. Last evaluated: 2018-12-20. Review status: criteria provided, single submitter. Criteria: Invitae Variant Classification Sherloc (09022015). Collection method: clinical testing. Allele origin: germline.
Comment: This sequence change replaces leucine with phenylalanine at codon 154 of the TRIM2 protein (p.Leu154Phe). The leucine residue is highly conserved and there is a small physicochemical difference between leucine and phenylalanine. The frequency data for this variant in the population databases is considered unreliable, as metrics indicate poor data quality at this position in the ExAC database. This variant has not been reported in the literature in individuals with TRIM2-related conditions. Algorithms developed to predict the effect of missense changes on protein structure and function are either unavailable or do not agree on the potential impact of this missense change (SIFT: "Deleterious"; PolyPhen-2: "Probably Damaging"; Align-GVGD: "Class C15"). In summary, the available evidence is currently insufficient to determine the role of this variant in disease. Therefore, it has been classified as a Variant of Uncertain Significance.